The following is an entry in ClinVar:

NM_000094.4(COL7A1):c.7511G>T (p.Arg2504Leu)

Gene: COL7A1 (collagen type VII alpha 1 chain; minus strand). Cytogenetic location: 3p21.31.
Variant type: single nucleotide variant.
Coding change: c.7511G>T on transcript NM_000094.4 (MANE Select); coding-DNA position 7511, G replaced by T.
Protein change: p.Arg2504Leu; replaces arginine 2504 with leucine.
Molecular consequence: missense variant.
Genome position (GRCh38, 1-based): chr3:48,569,890, C>A on the plus strand (G>T on the coding strand, the complement: COL7A1 is on the minus strand). VCF-style: chr3-48569890-C-A. GRCh37 (hg19) VCF-style: chr3-48607323-C-A.
Other names: short protein forms R2504L.
Identifiers: ClinVar variation 2182982 (VCV002182982.2), dbSNP rs747583483, ClinGen allele CA352645239.

ClinVar aggregate classification (germline): Uncertain significance. Review status: criteria provided, multiple submitters, no conflicts (2 of 4 stars). 2 submissions from 2 submitters: Uncertain significance (2). Last evaluated 2024-09-03.

gnomAD v4.1: 1 of 1,614,132 alleles (0.000062%); highest among the groups gnomAD compares: Admixed American, 0.0017%; no homozygotes.

Submissions (2):

Women's Health and Genetics/Laboratory Corporation of America, LabCorp
Classification: Uncertain significance. Last evaluated: 2024-09-03. Review status: criteria provided, single submitter. Criteria: LabCorp Variant Classification Summary - May 2015. Collection method: clinical testing. Allele origin: germline.

Labcorp Genetics (formerly Invitae), Labcorp
Classification: Uncertain significance. Last evaluated: 2022-09-20. Review status: criteria provided, single submitter. Criteria: Invitae Variant Classification Sherloc (09022015). Collection method: clinical testing. Allele origin: germline.
Comment: This sequence change replaces arginine, which is basic and polar, with leucine, which is neutral and non-polar, at codon 2504 of the COL7A1 protein (p.Arg2504Leu). This variant is present in population databases (no rsID available, gnomAD 0.003%). This variant has not been reported in the literature in individuals affected with COL7A1-related conditions. Advanced modeling of protein sequence and biophysical properties (such as structural, functional, and spatial information, amino acid conservation, physicochemical variation, residue mobility, and thermodynamic stability) performed at Invitae indicates that this missense variant is not expected to disrupt COL7A1 protein function. In summary, the available evidence is currently insufficient to determine the role of this variant in disease. Therefore, it has been classified as a Variant of Uncertain Significance.